The following is an entry in ClinVar:

ClinVar aggregate classification (germline): Likely benign. Review status: criteria provided, single submitter (1 of 4 stars). 2 submissions from 2 submitters: Likely benign (1). 1 of the submissions does not count toward it. Last evaluated 2022-05-20.

Conditions:
KANK1-related disorder. Also called: KANK1-related condition.

Allele frequency attached by ClinVar (database versions not stated): ExAC 0.00001; gnomAD 0.00003; TOPMed 0.00003; ESP Exome Variant Server 0.00008.
gnomAD v4.1: 12 of 1,613,966 alleles (0.00074%); highest among the groups gnomAD compares: Admixed American, 0.01%; no homozygotes.

Submissions (2):

Labcorp Genetics (formerly Invitae), Labcorp
Classification: Likely benign. Last evaluated: 2022-05-20. Review status: criteria provided, single submitter. Criteria: Invitae Variant Classification Sherloc (09022015). Collection method: clinical testing. Allele origin: germline.

PreventionGenetics, part of Exact Sciences
Classification: Likely benign for KANK1-related condition. Last evaluated: 2020-07-17. Review status: no assertion criteria provided. Collection method: clinical testing. Allele origin: germline. Not counted in ClinVar's aggregate classification.
Comment: This variant is classified as likely benign based on ACMG/AMP sequence variant interpretation guidelines (Richards et al. 2015 PMID: 25741868, with internal and published modifications).

NM_015158.5(KANK1):c.2607C>T (p.Thr869=)

Gene: KANK1 (KN motif and ankyrin repeat domains 1; plus strand). Cytogenetic location: 9p24.3.
Variant type: single nucleotide variant.
Coding change: c.2607C>T on transcript NM_015158.5 (MANE Select); coding-DNA position 2607, C replaced by T.
Protein change: p.Thr869=; no amino-acid change (threonine 869 retained).
Molecular consequence: synonymous variant. On other transcripts: non-coding transcript variant (1).
Genome position (GRCh38, 1-based): chr9:713,373, C>T. VCF-style: chr9-713373-C-T. GRCh37 (hg19) VCF-style: chr9-713373-C-T.
Other names: c.2607C>T, p.Thr869= (NM_001256876.3, NM_001256877.3, NM_001354331.2 and 2 more transcripts); c.2133C>T, p.Thr711= (NM_001354333.2, NM_001354335.2, NM_001354336.2 and 9 more transcripts); c.2607C>T (NM_015158.3).
Identifiers: ClinVar variation 1953280 (VCV001953280.7), dbSNP rs17853810, ClinGen allele CA4960549.
Genomic context (GRCh38, chr9:713,373, plus strand): 5'-AGAAGCTTTCGGGGAACCTCACTCACAGATGGGCTCCCTCAACTCTCAGCTCATCAGCAC[C>T]CTGTCGTCTATCAACTCTGTCATGAAATCTGCAAGCACTGAAGAGCTGAGGAACCCTGAC-3'
Protein context (NP_055973.2, residues 859-879): MGSLNSQLIS[Thr869=]LSSINSVMKS